The following is an entry in ClinVar:

NM_022041.4(GAN):c.1177T>C (p.Cys393Arg)

Gene: GAN (gigaxonin; plus strand). Cytogenetic location: 16q23.2.
Variant type: single nucleotide variant.
Coding change: c.1177T>C on transcript NM_022041.4 (MANE Select); coding-DNA position 1177, T replaced by C.
Protein change: p.Cys393Arg; replaces cysteine 393 with arginine.
Molecular consequence: missense variant.
Genome position (GRCh38, 1-based): chr16:81,363,884, T>C. VCF-style: chr16-81363884-T-C. GRCh37 (hg19) VCF-style: chr16-81397489-T-C.
Other names: c.538T>C, p.Cys180Arg (NM_001377486.1); short protein forms C180R, C393R.
Identifiers: ClinVar variation 2143201 (VCV002143201.4), dbSNP rs2507747060, ClinGen allele CA396890642.

ClinVar aggregate classification (germline): Uncertain significance (1 of 4 stars; one submission).

Conditions:
Giant axonal neuropathy 1 (GAN1). Also called: GIANT AXONAL NEUROPATHY 1, AUTOSOMAL RECESSIVE; GAN-Related Neurodegeneration. Identifiers: Orphanet 643, MedGen C1850386, MONDO:0009749, OMIM 256850.

Submission:

Labcorp Genetics (formerly Invitae), Labcorp
Classification: Uncertain significance for Giant axonal neuropathy 1. Last evaluated: 2024-02-23. Review status: criteria provided, single submitter. Criteria: Invitae Variant Classification Sherloc (09022015). Collection method: clinical testing. Allele origin: germline.
Comment: This sequence change replaces cysteine, which is neutral and slightly polar, with arginine, which is basic and polar, at codon 393 of the GAN protein (p.Cys393Arg). This variant is not present in population databases (gnomAD no frequency). This variant has not been reported in the literature in individuals affected with GAN-related conditions. ClinVar contains an entry for this variant (Variation ID: 2143201). Advanced modeling of protein sequence and biophysical properties (such as structural, functional, and spatial information, amino acid conservation, physicochemical variation, residue mobility, and thermodynamic stability) performed at Invitae indicates that this missense variant is not expected to disrupt GAN protein function with a negative predictive value of 80%. In summary, the available evidence is currently insufficient to determine the role of this variant in disease. Therefore, it has been classified as a Variant of Uncertain Significance.